The following is an entry in ClinVar:

NM_022168.4(IFIH1):c.121G>C (p.Glu41Gln)

Gene: IFIH1 (interferon induced with helicase C domain 1; minus strand). Cytogenetic location: 2q24.2.
Variant type: single nucleotide variant.
Coding change: c.121G>C on transcript NM_022168.4 (MANE Select); coding-DNA position 121, G replaced by C.
Protein change: p.Glu41Gln; replaces glutamic acid 41 with glutamine.
Molecular consequence: missense variant.
Genome position (GRCh38, 1-based): chr2:162,318,187, C>G on the plus strand (G>C on the coding strand, the complement: IFIH1 is on the minus strand). VCF-style: chr2-162318187-C-G. GRCh37 (hg19) VCF-style: chr2-163174697-C-G.
Other names: short protein forms E41Q.
Identifiers: ClinVar variation 1474075 (VCV001474075.8), dbSNP rs762115082, ClinGen allele CA1934892.
Genomic context (GRCh38, chr2:162,318,187, plus strand): 5'-GTTCAACTGCCTGCATGTTCCCGGAGGTGGCGACTGTCCTCTGAATCTGCTCCTTCACCT[C>G]TGCAGGCAGAAAGGTCAGGTAGTCCAGCACAGGCTCCACCTGGATGTACATTTTCACCCT-3'
Protein context (NP_071451.2, residues 31-51): VLDYLTFLPA[Glu41Gln]VKEQIQRTVA

ClinVar aggregate classification (germline): Uncertain significance (1 of 4 stars; one submission).

Conditions:
Singleton-Merten syndrome 1 (SGMRT1). Also called: Widened medullary cavities of bone, aortic calcification, abnormal dentition, and muscular weakness; Syndrome of widened medullary cavities of the metacarpals and phalanges, aortic calcification and abnormal dentition. Identifiers: Orphanet 85191, MedGen C4225427, MONDO:0024535, OMIM 182250.
Aicardi-Goutieres syndrome 7 (AGS7). Identifiers: Orphanet 51, MedGen C3888244, MONDO:0014367, OMIM 615846.

Allele frequency attached by ClinVar (database versions not stated): ExAC 0.00001; gnomAD exomes 0.00001.
gnomAD v4.1: 3 of 1,614,232 alleles (0.00019%); highest among the groups gnomAD compares: Non-Finnish European, 0.00025%; no homozygotes.

Submission:

Labcorp Genetics (formerly Invitae), Labcorp
Classification: Uncertain significance for Aicardi-Goutieres syndrome 7; Singleton-Merten syndrome 1. Last evaluated: 2024-05-16. Review status: criteria provided, single submitter. Criteria: Invitae Variant Classification Sherloc (09022015). Collection method: clinical testing. Allele origin: germline.
Comment: This sequence change replaces glutamic acid, which is acidic and polar, with glutamine, which is neutral and polar, at codon 41 of the IFIH1 protein (p.Glu41Gln). This variant is present in population databases (rs762115082, gnomAD 0.003%). This variant has not been reported in the literature in individuals affected with IFIH1-related conditions. ClinVar contains an entry for this variant (Variation ID: 1474075). Advanced modeling of protein sequence and biophysical properties (such as structural, functional, and spatial information, amino acid conservation, physicochemical variation, residue mobility, and thermodynamic stability) has been performed at Invitae for this missense variant, however the output from this modeling did not meet the statistical confidence thresholds required to predict the impact of this variant on IFIH1 protein function. Algorithms developed to predict the effect of sequence changes on RNA splicing suggest that this variant may create or strengthen a splice site. In summary, the available evidence is currently insufficient to determine the role of this variant in disease. Therefore, it has been classified as a Variant of Uncertain Significance.